The following is an entry in ClinVar:

NM_000059.4(BRCA2):c.2071G>T (p.Ala691Ser)

Gene: BRCA2 (BRCA2 DNA repair associated; plus strand). Cytogenetic location: 13q13.1.
Variant type: single nucleotide variant.
Coding change: c.2071G>T on transcript NM_000059.4 (MANE Select); coding-DNA position 2071, G replaced by T.
Protein change: p.Ala691Ser; replaces alanine 691 with serine.
Molecular consequence: missense variant. On other transcripts: non-coding transcript variant (1), intron variant (2).
Genome position (GRCh38, 1-based): chr13:32,336,426, G>T. VCF-style: chr13-32336426-G-T. GRCh37 (hg19) VCF-style: chr13-32910563-G-T.
Other names: c.2071G>T, p.Ala691Ser (NM_001406719.1, NM_001406720.1, NM_001432077.1); c.1909+3039G>T (NM_001406721.1); c.424+5396G>T (NM_001406722.1); short protein forms A691S.
Identifiers: ClinVar variation 3636439 (VCV003636439.2).

ClinVar aggregate classification (germline): Uncertain significance (1 of 4 stars; one submission).

Conditions:
Hereditary breast ovarian cancer syndrome. Also called: Hereditary breast and ovarian cancer syndrome; Hereditary breast and ovarian cancer syndrome (HBOC); BRCA1- and BRCA2-Associated Hereditary Breast and Ovarian Cancer; Hereditary breast and ovarian cancer; Breast and ovarian cancer; Hereditary breast and/or ovarian cancer syndrome. Identifiers: Orphanet 145, MedGen C0677776, MeSH D061325, MONDO:0003582. Disease mechanism: loss of function.

Submission:

Labcorp Genetics (formerly Invitae), Labcorp
Classification: Uncertain significance for Hereditary breast ovarian cancer syndrome. Last evaluated: 2024-08-28. Review status: criteria provided, single submitter. Criteria: Invitae Variant Classification Sherloc (09022015). Collection method: clinical testing. Allele origin: germline.
Comment: This sequence change replaces alanine, which is neutral and non-polar, with serine, which is neutral and polar, at codon 691 of the BRCA2 protein (p.Ala691Ser). This variant is not present in population databases (gnomAD no frequency). This variant has not been reported in the literature in individuals affected with BRCA2-related conditions. Invitae Evidence Modeling of protein sequence and biophysical properties (such as structural, functional, and spatial information, amino acid conservation, physicochemical variation, residue mobility, and thermodynamic stability) indicates that this missense variant is not expected to disrupt BRCA2 protein function with a negative predictive value of 95%. In summary, the available evidence is currently insufficient to determine the role of this variant in disease. Therefore, it has been classified as a Variant of Uncertain Significance.